The following is an entry in ClinVar:

NM_005559.4(LAMA1):c.1672G>A (p.Ala558Thr)

Gene: LAMA1 (laminin subunit alpha 1; minus strand). Cytogenetic location: 18p11.31.
Variant type: single nucleotide variant.
Coding change: c.1672G>A on transcript NM_005559.4 (MANE Select); coding-DNA position 1672, G replaced by A.
Protein change: p.Ala558Thr; replaces alanine 558 with threonine.
Molecular consequence: missense variant.
Genome position (GRCh38, 1-based): chr18:7,037,643, C>T on the plus strand (G>A on the coding strand, the complement: LAMA1 is on the minus strand). VCF-style: chr18-7037643-C-T. GRCh37 (hg19) VCF-style: chr18-7037642-C-T.
Other names: short protein forms A558T.
Identifiers: ClinVar variation 2190428 (VCV002190428.2), dbSNP rs757016883, ClinGen allele CA8882922.

ClinVar aggregate classification (germline): Uncertain significance (1 of 4 stars; one submission).

Allele frequency attached by ClinVar (database versions not stated): gnomAD 0.00001; TOPMed 0.00001; ExAC 0.00002; gnomAD exomes 0.00004.
gnomAD v4.1: 58 of 1,614,024 alleles (0.0036%); highest among the groups gnomAD compares: Admixed American, 0.0083%; no homozygotes.

Submission:

Labcorp Genetics (formerly Invitae), Labcorp
Classification: Uncertain significance. Last evaluated: 2025-07-31. Review status: criteria provided, single submitter. Criteria: Invitae Variant Classification Sherloc (09022015). Collection method: clinical testing. Allele origin: germline.
Comment: This sequence change replaces alanine, which is neutral and non-polar, with threonine, which is neutral and polar, at codon 558 of the LAMA1 protein (p.Ala558Thr). This variant is present in population databases (rs757016883, gnomAD 0.01%). This variant has not been reported in the literature in individuals affected with LAMA1-related conditions. ClinVar contains an entry for this variant (Variation ID: 2190428). An algorithm developed to predict the effect of missense changes on protein structure and function (PolyPhen-2) suggests that this variant is likely to be tolerated. In summary, the available evidence is currently insufficient to determine the role of this variant in disease. Therefore, it has been classified as a Variant of Uncertain Significance.